The following is an entry in ClinVar:

ClinVar aggregate classification (germline): Pathogenic (1 of 4 stars; one submission).

Submission:

Labcorp Genetics (formerly Invitae), Labcorp
Classification: Pathogenic. Last evaluated: 2017-09-20. Review status: criteria provided, single submitter. Criteria: Invitae Variant Classification Sherloc (09022015). Collection method: clinical testing. Allele origin: germline.
Comment: This variant has not been reported in the literature in individuals with GPD1-related disease. This variant is not present in population databases (ExAC no frequency). This sequence change creates a premature translational stop signal (p.Gln182*) in the GPD1 gene. It is expected to result in an absent or disrupted protein product. For these reasons, this variant has been classified as Pathogenic. Loss-of-function variants in GPD1 are known to be pathogenic (PMID: 22226083).

Literature cited by the submitters: PubMed 22226083.

NM_005276.4(GPD1):c.544C>T (p.Gln182Ter)

Gene: GPD1 (glycerol-3-phosphate dehydrogenase 1; plus strand). Cytogenetic location: 12q13.12.
Variant type: single nucleotide variant.
Coding change: c.544C>T on transcript NM_005276.4 (MANE Select); coding-DNA position 544, C replaced by T.
Protein change: p.Gln182Ter; replaces glutamine 182 with a stop codon.
Molecular consequence: nonsense.
Genome position (GRCh38, 1-based): chr12:50,106,849, C>T. VCF-style: chr12-50106849-C-T. GRCh37 (hg19) VCF-style: chr12-50500632-C-T.
Other names: c.475C>T, p.Gln159Ter (NM_001257199.2); short protein forms Q159*, Q182*.
Identifiers: ClinVar variation 1071286 (VCV001071286.7), dbSNP rs2137922911, ClinGen allele CA384801200.